The following is an entry in ClinVar:

ClinVar aggregate classification (germline): Pathogenic/Likely pathogenic. Review status: criteria provided, multiple submitters, no conflicts (2 of 4 stars). 2 submissions from 2 submitters: Pathogenic (1); Likely pathogenic (1). Last evaluated 2024-05-06.

Conditions:
COL2A1-related disorder. Also called: COL2A1-related condition; COL2A1-related disorders.

Submissions (2):

Labcorp Genetics (formerly Invitae), Labcorp
Classification: Pathogenic. Last evaluated: 2024-05-06. Review status: criteria provided, single submitter. Criteria: Invitae Variant Classification Sherloc (09022015). Collection method: clinical testing. Allele origin: germline.
Comment: This sequence change replaces glycine, which is neutral and non-polar, with arginine, which is basic and polar, at codon 1170 of the COL2A1 protein (p.Gly1170Arg). This variant is not present in population databases (gnomAD no frequency). This missense change has been observed in individual(s) with clinical features of COL2A1-related conditions (PMID: 35581182). In at least one individual the variant was observed to be de novo. ClinVar contains an entry for this variant (Variation ID: 1224311). Advanced modeling of protein sequence and biophysical properties (such as structural, functional, and spatial information, amino acid conservation, physicochemical variation, residue mobility, and thermodynamic stability) performed at Invitae indicates that this missense variant is expected to disrupt COL2A1 protein function with a positive predictive value of 95%. This variant disrupts the triple helix domain of COL2A1. Glycine residues within the Gly-Xaa-Yaa repeats of the triple helix domain are required for the structure and stability of fibrillar collagens (PMID: 7695699, 8218237, 19344236). In COL2A1, variants affecting these glycine residues are significantly enriched in individuals with disease (PMID: 9016532, 17078022) compared to the general population (ExAC). For these reasons, this variant has been classified as Pathogenic.

Blueprint Genetics
Classification: Likely pathogenic for COL2A1-related disorders. Last evaluated: 2019-08-16. Review status: criteria provided, single submitter. Criteria: ACMG Guidelines, 2015. Collection method: clinical testing. Allele origin: germline. Affected: yes. Observed: 1 variant allele.

Literature cited by the submitters: PubMed 35581182 (cited by Labcorp Genetics (formerly Invitae), Labcorp); PubMed 7695699 (cited by Labcorp Genetics (formerly Invitae), Labcorp); PubMed 8218237 (cited by Labcorp Genetics (formerly Invitae), Labcorp); PubMed 19344236 (cited by Labcorp Genetics (formerly Invitae), Labcorp); PubMed 9016532 (cited by Labcorp Genetics (formerly Invitae), Labcorp); PubMed 17078022 (cited by Labcorp Genetics (formerly Invitae), Labcorp).

NM_001844.5(COL2A1):c.3508G>C (p.Gly1170Arg)

Gene: COL2A1 (collagen type II alpha 1 chain; minus strand). Cytogenetic location: 12q13.11.
Variant type: single nucleotide variant.
Coding change: c.3508G>C on transcript NM_001844.5 (MANE Select); coding-DNA position 3508, G replaced by C.
Protein change: p.Gly1170Arg; replaces glycine 1170 with arginine.
Molecular consequence: missense variant.
Genome position (GRCh38, 1-based): chr12:47,976,052, C>G on the plus strand (G>C on the coding strand, the complement: COL2A1 is on the minus strand). VCF-style: chr12-47976052-C-G. GRCh37 (hg19) VCF-style: chr12-48369835-C-G.
Other names: c.3301G>C, p.Gly1101Arg (NM_033150.3); short protein forms G1101R, G1170R.
Identifiers: ClinVar variation 1224311 (VCV001224311.5), dbSNP rs121912891, ClinGen allele CA384537426.